The following is an entry in ClinVar:

NM_024642.5(GALNT12):c.596T>C (p.Leu199Pro)

Gene: GALNT12 (polypeptide N-acetylgalactosaminyltransferase 12; plus strand). Cytogenetic location: 9q22.33.
Variant type: single nucleotide variant.
Coding change: c.596T>C on transcript NM_024642.5 (MANE Select); coding-DNA position 596, T replaced by C.
Protein change: p.Leu199Pro; replaces leucine 199 with proline.
Molecular consequence: missense variant.
Genome position (GRCh38, 1-based): chr9:98,826,806, T>C. VCF-style: chr9-98826806-T-C. GRCh37 (hg19) VCF-style: chr9-101589088-T-C.
Other names: short protein forms L199P.
Identifiers: ClinVar variation 5022125 (VCV005022125.1).

ClinVar aggregate classification (germline): Uncertain significance (1 of 4 stars; one submission).

Submission:

Ambry Genetics
Classification: Uncertain significance. Last evaluated: 2026-07-30. Review status: criteria provided, single submitter. Criteria: Ambry Variant Classification Scheme 2023. Collection method: clinical testing. Allele origin: germline.
Comment: The p.L199P variant (also known as c.596T>C), located in coding exon 3 of the GALNT12 gene, results from a T to C substitution at nucleotide position 596. The leucine at codon 199 is replaced by proline, an amino acid with similar properties. This amino acid position is conserved. In addition, this alteration is predicted to be deleterious by in silico analysis. Based on the available evidence, the clinical significance of this variant remains unclear.